The following is an entry in ClinVar:

ClinVar aggregate classification (germline): Conflicting classifications of pathogenicity. Review status: criteria provided, conflicting classifications (1 of 4 stars). 7 submissions from 7 submitters: Uncertain significance (1); Benign (4); Likely benign (2). Last evaluated 2026-01-21.

Allele frequency attached by ClinVar (database versions not stated): ExAC 0.00053; TOPMed 0.00147; gnomAD 0.00168 and 0.00175; ESP Exome Variant Server 0.00177; 1000 Genomes Project 30x 0.00234; 1000 Genomes Project 0.00240.
gnomAD v4.1: 500 of 1,613,632 alleles (0.031%); highest among the groups gnomAD compares: African/African-American, 0.61%; no homozygotes.

Submissions (7):

Labcorp Genetics (formerly Invitae), Labcorp
Classification: Benign. Last evaluated: 2026-01-21. Review status: criteria provided, single submitter. Criteria: Invitae Variant Classification Sherloc (09022015). Collection method: clinical testing. Allele origin: germline.

Blueprint Genetics
Classification: Uncertain significance. Last evaluated: 2023-08-15. Review status: criteria provided, single submitter. Criteria: ACMG Guidelines, 2015. Collection method: clinical testing. Allele origin: germline.

GeneDx
Classification: Likely benign. Last evaluated: 2021-03-17. Review status: criteria provided, single submitter. Criteria: GeneDx Variant Classification Process June 2021. Collection method: clinical testing. Allele origin: germline. Affected: yes.

ARUP Laboratories, Molecular Genetics and Genomics, ARUP Laboratories
Classification: Benign. Last evaluated: 2020-04-17. Review status: criteria provided, single submitter. Criteria: ARUP Molecular Germline Variant Investigation Process. Collection method: clinical testing. Allele origin: germline.

Eurofins Ntd Llc (ga)
Classification: Benign. Last evaluated: 2016-12-06. Review status: criteria provided, single submitter. Criteria: EGL Classification Definitions 2015. Collection method: clinical testing. Allele origin: germline. Observed: 1 variant allele, 1 heterozygote.

Laboratory for Molecular Medicine, Mass General Brigham Personalized Medicine
Classification: Benign. Last evaluated: 2015-07-21. Review status: criteria provided, single submitter. Criteria: LMM Criteria. Collection method: clinical testing. Allele origin: germline. Observed: 3 variant alleles.
Comment: p.Asp879Asn in Exon 25 of MYO6: This variant is not expected to have clinical si gnificance because it has been identified in 0.6% (61/10288) of African chromoso mes by the Exome Aggregation Consortium (ExAC; d bSNP rs60970824).

PreventionGenetics, part of Exact Sciences
Classification: Likely benign. Review status: criteria provided, single submitter. Criteria: ACMG Guidelines, 2015. Collection method: clinical testing. Allele origin: germline.

NM_004999.4(MYO6):c.2635G>A (p.Asp879Asn)

Gene: MYO6 (myosin VI; plus strand). Cytogenetic location: 6q14.1.
Variant type: single nucleotide variant.
Coding change: c.2635G>A on transcript NM_004999.4 (MANE Select); coding-DNA position 2635, G replaced by A.
Protein change: p.Asp879Asn; replaces aspartic acid 879 with asparagine.
Molecular consequence: missense variant. On other transcripts: non-coding transcript variant (1).
Genome position (GRCh38, 1-based): chr6:75,886,971, G>A. VCF-style: chr6-75886971-G-A. GRCh37 (hg19) VCF-style: chr6-76596688-G-A.
Other names: c.2635G>A, p.Asp879Asn (NM_001300899.2, NM_001368136.1, NM_001368137.1 and 2 more transcripts); c.2620G>A, p.Asp874Asn (NM_001368138.1); short protein forms D879N, D874N.
Identifiers: ClinVar variation 45146 (VCV000045146.30), dbSNP rs60970824, ClinGen allele CA135613.